The following is an entry in ClinVar:

NM_001142864.4(PIEZO1):c.4559C>G (p.Ala1520Gly)

Gene: PIEZO1 (piezo type mechanosensitive ion channel component 1 (Er blood group); minus strand). Cytogenetic location: 16q24.3.
Variant type: single nucleotide variant.
Coding change: c.4559C>G on transcript NM_001142864.4 (MANE Select); coding-DNA position 4559, C replaced by G.
Protein change: p.Ala1520Gly; replaces alanine 1520 with glycine.
Molecular consequence: missense variant.
Genome position (GRCh38, 1-based): chr16:88,722,946, G>C on the plus strand (C>G on the coding strand, the complement: PIEZO1 is on the minus strand). VCF-style: chr16-88722946-G-C. GRCh37 (hg19) VCF-style: chr16-88789354-G-C.
Other names: c.3101C>G, p.Ala1034Gly (NM_014745.1); short protein forms A1034G, A1520G.
Identifiers: ClinVar variation 2434766 (VCV002434766.4), dbSNP rs761898876, ClinGen allele CA286410108.
Genomic context (GRCh38, chr16:88,722,946, plus strand): 5'-CTCATGGTGCCGTGGTGCCGGGTGAACTCCTGCAGCCAGCGTGTCAGCTCATCCACTAGC[G>C]CCTGCCCCAGCATCCACAGGAACTGCGCCGTGCTCAGCACCCTCTGCACCACATGGCTCC-3'
Protein context (NP_001136336.2, residues 1510-1530): TAQFLWMLGQ[Ala1520Gly]LVDELTRWLQ

ClinVar aggregate classification (germline): Uncertain significance. Review status: criteria provided, multiple submitters, no conflicts (2 of 4 stars). 2 submissions from 2 submitters: Uncertain significance (2). Last evaluated 2025-04-24.

Conditions:
Lymphatic malformation 6 (LMPHM6). Also called: GENERALIZED LYMPHATIC DYSPLASIA OF FOTIOU; Lymphedema, hereditary, III; PIEZO1-related generalized lymphatic dysplasia with non-immune hydrops fetalis. Identifiers: Orphanet 568062, MedGen C4225184, MONDO:0014797, OMIM 616843.

gnomAD v4.1: 90 of 1,549,088 alleles (0.0058%); highest among the groups gnomAD compares: Non-Finnish European, 0.0078%; no homozygotes.

Submissions (2):

Clinical Genomics Laboratory, Washington University in St. Louis
Classification: Uncertain significance for Lymphatic malformation 6. Last evaluated: 2025-04-24. Review status: criteria provided, single submitter. Criteria: ACMG Guidelines, 2015. Collection method: clinical testing. Allele origin: germline.
Comment: A PIEZO1 c.4559C>G (p.Ala1520Gly) variant was identified at a near heterozygous allelic fraction of 48.3%, a frequency which may be consistent with germline origin. This variant, to our knowledge, has not been reported in the medical literature. It is only observed on 90/1,549,088 alleles in the general population (gnomAD v.4.1.0), indicating it is not a common variant. The PIEZO1 c.4559C>G (p.Ala1520Gly) variant has been reported in the ClinVar database as a germline variant of uncertain significance by a single submitter (ClinVar variation ID: 2434766). Computational predictors are uncertain as to the impact of this variant on PIEZO1 function. Due to limited information, and based on ACMG/AMP guidelines for variant interpretation (Richards S et al., PMID: 25741868), the clinical significance of this variant is uncertain at this time.

Revvity Omics, Revvity
Classification: Uncertain significance. Last evaluated: 2024-09-22. Review status: criteria provided, single submitter. Criteria: ACMG Guidelines, 2015. Collection method: clinical testing. Allele origin: germline.